The following is an entry in ClinVar:

NM_002637.4(PHKA1):c.3121T>C (p.Tyr1041His)

Gene: PHKA1 (phosphorylase kinase regulatory subunit alpha 1; minus strand). Cytogenetic location: Xq13.1.
Variant type: single nucleotide variant.
Coding change: c.3121T>C on transcript NM_002637.4 (MANE Select); coding-DNA position 3121, T replaced by C.
Protein change: p.Tyr1041His; replaces tyrosine 1041 with histidine.
Molecular consequence: missense variant.
Genome position (GRCh38, 1-based): chrX:72,593,226, A>G on the plus strand (T>C on the coding strand, the complement: PHKA1 is on the minus strand). VCF-style: chrX-72593226-A-G. GRCh37 (hg19) VCF-style: chrX-71813076-A-G.
Other names: c.3082T>C, p.Tyr1028His (NM_001122670.2); c.2905T>C, p.Tyr969His (NM_001172436.2); short protein forms Y1041H, Y1028H, Y969H.
Identifiers: ClinVar variation 2194559 (VCV002194559.4), dbSNP rs1556228458, ClinGen allele CA413585146.

ClinVar aggregate classification (germline): Uncertain significance (1 of 4 stars; one submission).

Conditions:
Glycogen storage disease IXd (GSD9D). Also called: Muscle Phosphorylase Kinase Deficiency; GSD IXd. Identifiers: Orphanet 715, MedGen C1845151, MONDO:0010362, OMIM 300559.

Allele frequency attached by ClinVar (database versions not stated): gnomAD exomes 0.00001; TOPMed 0.00002.
gnomAD v4.1: 17 of 1,204,482 alleles (0.0014%); highest among the groups gnomAD compares: Non-Finnish European, 0.0012%; no homozygotes.

Submission:

Labcorp Genetics (formerly Invitae), Labcorp
Classification: Uncertain significance for Glycogen storage disease IXd. Last evaluated: 2022-08-06. Review status: criteria provided, single submitter. Criteria: Invitae Variant Classification Sherloc (09022015). Collection method: clinical testing. Allele origin: germline.
Comment: This sequence change replaces tyrosine, which is neutral and polar, with histidine, which is basic and polar, at codon 1041 of the PHKA1 protein (p.Tyr1041His). This variant is present in population databases (no rsID available, gnomAD 0.001%). This variant has not been reported in the literature in individuals affected with PHKA1-related conditions. Algorithms developed to predict the effect of missense changes on protein structure and function output the following: SIFT: "Tolerated"; PolyPhen-2: "Benign"; Align-GVGD: "Class C0". The histidine amino acid residue is found in multiple mammalian species, which suggests that this missense change does not adversely affect protein function. In summary, the available evidence is currently insufficient to determine the role of this variant in disease. Therefore, it has been classified as a Variant of Uncertain Significance.